The following is an entry in ClinVar:

NM_000051.4(ATM):c.1110C>A (p.Tyr370Ter)

Gene: ATM (ATM serine/threonine kinase; plus strand). Cytogenetic location: 11q22.3.
Variant type: single nucleotide variant.
Coding change: c.1110C>A on transcript NM_000051.4 (MANE Select); coding-DNA position 1110, C replaced by A.
Protein change: p.Tyr370Ter; replaces tyrosine 370 with a stop codon.
Molecular consequence: nonsense.
Genome position (GRCh38, 1-based): chr11:108,248,977, C>A. VCF-style: chr11-108248977-C-A. GRCh37 (hg19) VCF-style: chr11-108119704-C-A.
Other names: c.1110C>A, p.Tyr370Ter (NM_001351834.2); short protein forms Y370*.
Identifiers: ClinVar variation 584461 (VCV000584461.14), dbSNP rs376170600, ClinGen allele CA382532404.
Genomic context (GRCh38, chr11:108,248,977, plus strand): 5'-TATTTTTATTTTACAGGTTTTTAATGAAGATACCAGATCCTTGGAGATTTCTCAATCTTA[C>A]ACTACTACACAAAGAGAATCTAGTGATTACAGTGTCCCTTGCAAAAGGAAGAAAATAGAA-3'

ClinVar aggregate classification (germline): Pathogenic/Likely pathogenic. Review status: criteria provided, multiple submitters, no conflicts (2 of 4 stars). 5 submissions from 5 submitters: Pathogenic (3); Likely pathogenic (1). 1 of the submissions does not count toward it. Last evaluated 2024-06-21.

Conditions:
Familial cancer of breast. Also called: hereditary breast carcinoma; BREAST CANCER, FAMILIAL; Hereditary breast cancer. Identifiers: Orphanet 227535, MedGen C0346153, MONDO:0016419, OMIM 114480. Disease mechanism: loss of function.
Hereditary cancer-predisposing syndrome. Also called: Neoplastic Syndromes, Hereditary; Hereditary Cancer Syndrome; Tumor predisposition; Hereditary neoplastic syndrome. Identifiers: Orphanet 140162, MedGen C0027672, MeSH D009386, MONDO:0015356.
Ataxia-telangiectasia syndrome (AT). Also called: Ataxia-telangiectasia, complementation group D; AT, COMPLEMENTATION GROUP C; Ataxia-telangiectasia, complementation group E; Cerebello-oculocutaneous telangiectasia; Immunodeficiency with ataxia telangiectasia; ATAXIA-TELANGIECTASIA, COMPLEMENTATION GROUP A. Identifiers: Orphanet 100, MedGen C0004135, MONDO:0008840, OMIM 208900.
Breast carcinoma. Also called: Carcinoma of breast. Identifiers: MedGen C0678222, MONDO:0004989, HP:0003002.

Submissions (5):

Ambry Genetics
Classification: Pathogenic for Hereditary cancer-predisposing syndrome. Last evaluated: 2024-06-21. Review status: criteria provided, single submitter. Criteria: Ambry Variant Classification Scheme 2023. Collection method: clinical testing. Allele origin: germline.
Comment: The p.Y370* pathogenic mutation (also known as c.1110C>A), located in coding exon 8 of the ATM gene, results from a C to A substitution at nucleotide position 1110. This changes the amino acid from a tyrosine to a stop codon within coding exon 8. This variant is considered to be rare based on population cohorts in the Genome Aggregation Database (gnomAD). This alteration is expected to result in loss of function by premature protein truncation or nonsense-mediated mRNA decay. As such, this alteration is interpreted as a disease-causing mutation.

Labcorp Genetics (formerly Invitae), Labcorp
Classification: Pathogenic for Ataxia-telangiectasia syndrome. Last evaluated: 2024-02-29. Review status: criteria provided, single submitter. Criteria: Invitae Variant Classification Sherloc (09022015). Collection method: clinical testing. Allele origin: germline.
Comment: This sequence change creates a premature translational stop signal (p.Tyr370*) in the ATM gene. It is expected to result in an absent or disrupted protein product. Loss-of-function variants in ATM are known to be pathogenic (PMID: 23807571, 25614872). This variant is not present in population databases (gnomAD no frequency). This premature translational stop signal has been observed in individual(s) with breast and/or ovarian cancer (PMID: 28580595, 31159747). ClinVar contains an entry for this variant (Variation ID: 584461). For these reasons, this variant has been classified as Pathogenic.

Myriad Genetics, Inc.
Classification: Pathogenic for Familial cancer of breast. Last evaluated: 2024-01-12. Review status: criteria provided, single submitter. Criteria: Myriad Autosomal Dominant, Autosomal Recessive and X-Linked Classification Criteria (2023). Collection method: clinical testing. Allele origin: unknown.
Comment: This variant is considered pathogenic. This variant creates a termination codon and is predicted to result in premature protein truncation.

GeneKor MSA
Classification: Likely pathogenic. Last evaluated: 2020-01-01. Review status: criteria provided, single submitter. Criteria: ACMG Guidelines, 2015. Collection method: clinical testing. Allele origin: germline. Affected: no.
Comment: This variant is a single amino acid change from Tyrosine to a premature translational stop signal at codon 370 of the ATM protein. This is expected to result in an absent or disrupted protein product. Truncating variants in ATM are known to be pathogenic (PMID: 25614872, 23807571).

Medical Genetics Laboratory, Umraniye Training and Research Hospital, University of Health Sciences
Classification: Pathogenic for Breast carcinoma. Last evaluated: 2021-09-12. Review status: no assertion criteria provided. Collection method: clinical testing. Allele origin: germline. Inheritance: Autosomal dominant inheritance. Affected: yes. Observed: 1 heterozygote. Not counted in ClinVar's aggregate classification.

Literature cited by the submitters: PubMed 23807571 (cited by Labcorp Genetics (formerly Invitae), Labcorp); PubMed 25614872 (cited by Labcorp Genetics (formerly Invitae), Labcorp); PubMed 28580595 (cited by Labcorp Genetics (formerly Invitae), Labcorp); PubMed 31159747 (cited by Labcorp Genetics (formerly Invitae), Labcorp).